The following is an entry in ClinVar:

ClinVar aggregate classification (germline): Uncertain significance (1 of 4 stars; one submission).

Allele frequency attached by ClinVar (database versions not stated): TOPMed 0.00001; ExAC 0.00002; gnomAD 0.00002; gnomAD exomes 0.00002.
gnomAD v4.1: 31 of 1,613,978 alleles (0.0019%); highest among the groups gnomAD compares: South Asian, 0.0066%; no homozygotes.

Submission:

Labcorp Genetics (formerly Invitae), Labcorp
Classification: Uncertain significance. Last evaluated: 2024-10-22. Review status: criteria provided, single submitter. Criteria: Invitae Variant Classification Sherloc (09022015). Collection method: clinical testing. Allele origin: germline.
Comment: This sequence change replaces arginine, which is basic and polar, with glutamine, which is neutral and polar, at codon 742 of the GANAB protein (p.Arg742Gln). This variant is present in population databases (rs754186120, gnomAD 0.006%). This variant has not been reported in the literature in individuals affected with GANAB-related conditions. ClinVar contains an entry for this variant (Variation ID: 1713973). Invitae Evidence Modeling of protein sequence and biophysical properties (such as structural, functional, and spatial information, amino acid conservation, physicochemical variation, residue mobility, and thermodynamic stability) indicates that this missense variant is not expected to disrupt GANAB protein function with a negative predictive value of 80%. In summary, the available evidence is currently insufficient to determine the role of this variant in disease. Therefore, it has been classified as a Variant of Uncertain Significance.

NM_198334.3(GANAB):c.2159G>A (p.Arg720Gln)

Gene: GANAB (glucosidase II alpha subunit; minus strand). Cytogenetic location: 11q12.3.
Variant type: single nucleotide variant.
Coding change: c.2159G>A on transcript NM_198334.3 (MANE Select); coding-DNA position 2159, G replaced by A.
Protein change: p.Arg720Gln; replaces arginine 720 with glutamine.
Molecular consequence: missense variant.
Genome position (GRCh38, 1-based): chr11:62,628,790, C>T on the plus strand (G>A on the coding strand, the complement: GANAB is on the minus strand). VCF-style: chr11-62628790-C-T. GRCh37 (hg19) VCF-style: chr11-62396262-C-T.
Other names: c.1883G>A, p.Arg628Gln (NM_001278192.2); c.1817G>A, p.Arg606Gln (NM_001278193.2); c.1868G>A, p.Arg623Gln (NM_001278194.2, NM_001329222.2, NM_001329223.2); c.1436G>A, p.Arg479Gln (NM_001329224.2, NM_001329225.2); c.2225G>A, p.Arg742Gln (NM_198335.4); short protein forms R479Q, R606Q, R623Q, R628Q, R720Q, R742Q.
Identifiers: ClinVar variation 1713973 (VCV001713973.5), dbSNP rs754186120, ClinGen allele CA6050572.
Genomic context (GRCh38, chr11:62,628,790, plus strand): 5'-ACCTCAGCCCACTCTTCACAGCCCAAGTGAATGCCTCACCTCATGACAGGAATGCCTTCC[C>T]GATGGGCCTGATATAAGAGGGTGTACCAGAAGGGCAGCAAAGAATATCGCTGGCCCAAGG-3'
Protein context (NP_938148.1, residues 710-730): FWYTLLYQAH[Arg720Gln]EGIPVMRPLW